The following is an entry in ClinVar:

NM_001031679.3(MSRB3):c.-122C>T

Gene: MSRB3 (methionine sulfoxide reductase B3; plus strand). Cytogenetic location: 12q14.3.
Variant type: single nucleotide variant.
Coding change: c.-122C>T on transcript NM_001031679.3 (MANE Select); 122 bases upstream of the start codon, C replaced by T.
Molecular consequence: 5 prime UTR variant. On other transcripts: synonymous variant (1).
Genome position (GRCh38, 1-based): chr12:65,278,795, C>T. VCF-style: chr12-65278795-C-T. GRCh37 (hg19) VCF-style: chr12-65672575-C-T.
Other names: c.-286C>T (NM_001193460.2); c.27C>T, p.Arg9= (NM_198080.4).
Identifiers: ClinVar variation 1210517 (VCV001210517.36), dbSNP rs373497233, ClinGen allele CA6671325.

ClinVar aggregate classification (germline): Likely benign. Review status: criteria provided, multiple submitters, no conflicts (2 of 4 stars). 5 submissions from 5 submitters: Likely benign (5). Last evaluated 2026-06-01.

Conditions:
MSRB3-related disorder. Also called: MSRB3-related condition.

Allele frequency attached by ClinVar (database versions not stated): ESP Exome Variant Server 0.00008; gnomAD 0.00011 and 0.00015; TOPMed 0.00022; gnomAD exomes 0.00046; ExAC 0.00104.
gnomAD v4.1: 358 of 1,571,350 alleles (0.023%); highest among the groups gnomAD compares: Middle Eastern, 0.37%; 3 homozygotes.

Submissions (5):

CeGaT Center for Human Genetics Tuebingen
Classification: Likely benign. Last evaluated: 2026-06-01. Review status: criteria provided, single submitter. Criteria: CeGaT Center For Human Genetics Tuebingen Variant Classification Criteria Version 2. Collection method: clinical testing. Allele origin: germline. Affected: yes. Observed: 2 variant alleles.
Comment: MSRB3: BP4, BP7

Labcorp Genetics (formerly Invitae), Labcorp
Classification: Likely benign. Last evaluated: 2025-02-06. Review status: criteria provided, single submitter. Criteria: Invitae Variant Classification Sherloc (09022015). Collection method: clinical testing. Allele origin: germline.

PreventionGenetics, part of Exact Sciences
Classification: Likely benign for MSRB3-related condition. Last evaluated: 2025-01-10. Review status: criteria provided, single submitter. Criteria: ACMG Guidelines, 2015. Collection method: clinical testing. Allele origin: germline.
Comment: This variant is classified as likely benign based on ACMG/AMP sequence variant interpretation guidelines (Richards et al. 2015 PMID: 25741868, with internal and published modifications).

Blueprint Genetics
Classification: Likely benign. Last evaluated: 2024-10-17. Review status: criteria provided, single submitter. Criteria: ACMG Guidelines, 2015. Collection method: clinical testing. Allele origin: germline.

GeneDx
Classification: Likely benign. Last evaluated: 2020-11-02. Review status: criteria provided, single submitter. Criteria: GeneDx Variant Classification Process June 2021. Collection method: clinical testing. Allele origin: germline. Affected: yes.